The following is an entry in ClinVar:

ClinVar aggregate classification (germline): Uncertain significance (1 of 4 stars; one submission).

Conditions:
Bethlem myopathy 1A. Also called: MYOPATHY, BENIGN CONGENITAL, WITH CONTRACTURES; Bethlem myopathy 1; Bethlem Muscular Dystrophy. Identifiers: Orphanet 610, MedGen CN029274, MONDO:0024530, OMIM 158810.

gnomAD v4.1: 1 of 1,612,978 alleles (0.000062%); highest among the groups gnomAD compares: African/African-American, 0.0013%; no homozygotes.

Submission:

Labcorp Genetics (formerly Invitae), Labcorp
Classification: Uncertain significance for Bethlem myopathy 1A. Last evaluated: 2025-01-28. Review status: criteria provided, single submitter. Criteria: Invitae Variant Classification Sherloc (09022015). Collection method: clinical testing. Allele origin: germline.
Comment: This sequence change replaces arginine, which is basic and polar, with serine, which is neutral and polar, at codon 928 of the COL6A1 protein (p.Arg928Ser). This variant is not present in population databases (gnomAD no frequency). This variant has not been reported in the literature in individuals affected with COL6A1-related conditions. Invitae Evidence Modeling of protein sequence and biophysical properties (such as structural, functional, and spatial information, amino acid conservation, physicochemical variation, residue mobility, and thermodynamic stability) indicates that this missense variant is not expected to disrupt COL6A1 protein function with a negative predictive value of 95%. In summary, the available evidence is currently insufficient to determine the role of this variant in disease. Therefore, it has been classified as a Variant of Uncertain Significance.

NM_001848.3(COL6A1):c.2782C>A (p.Arg928Ser)

Gene: COL6A1 (collagen type VI alpha 1 chain; plus strand). Cytogenetic location: 21q22.3.
Variant type: single nucleotide variant.
Coding change: c.2782C>A on transcript NM_001848.3 (MANE Select); coding-DNA position 2782, C replaced by A.
Protein change: p.Arg928Ser; replaces arginine 928 with serine.
Molecular consequence: missense variant.
Genome position (GRCh38, 1-based): chr21:46,003,708, C>A. VCF-style: chr21-46003708-C-A. GRCh37 (hg19) VCF-style: chr21-47423622-C-A.
Other names: short protein forms R928S.
Identifiers: ClinVar variation 3688040 (VCV003688040.2).